The following is an entry in ClinVar:

NM_005094.4(SLC27A4):c.922GTG[1] (p.Val309del)

Gene: SLC27A4 (solute carrier family 27 member 4; plus strand). Cytogenetic location: 9q34.11.
Variant type: Microsatellite.
Coding change: c.922GTG[1] on transcript NM_005094.4 (MANE Select); one copy of the 3-base unit GTG starting at c.922; the reference has two copies in a row; one copy, 3 bases deleted.
Protein change: p.Val309del; deletes valine 309.
Molecular consequence: inframe deletion.
Genome position (GRCh38, 1-based): chr9:128,352,685-128,352,687, GTG deleted; deleting any 3 consecutive bases within chr9:128,352,681-128,352,687 gives the same sequence; the position shown is the placement nearest the transcript's 3' end. VCF-style (leftmost placement, unchanged base first): chr9-128352680-CGGT-C. GRCh37 (hg19) VCF-style: chr9-131114959-CGGT-C.
Other names: short protein forms V309del.
Identifiers: ClinVar variation 3012451 (VCV003012451.2), dbSNP rs1564401878, ClinGen allele CA590628852.

ClinVar aggregate classification (germline): Uncertain significance (1 of 4 stars; one submission).

Submission:

Labcorp Genetics (formerly Invitae), Labcorp
Classification: Uncertain significance. Last evaluated: 2025-10-10. Review status: criteria provided, single submitter. Criteria: Invitae Variant Classification Sherloc (09022015). Collection method: clinical testing. Allele origin: germline.
Comment: This variant, c.925_927del, results in the deletion of 1 amino acid(s) of the SLC27A4 protein (p.Val309del), but otherwise preserves the integrity of the reading frame. This variant is present in population databases (no rsID available, gnomAD 0.003%). This variant has not been reported in the literature in individuals affected with SLC27A4-related conditions. Experimental studies and prediction algorithms are not available or were not evaluated, and the functional significance of this variant is currently unknown. In summary, the available evidence is currently insufficient to determine the role of this variant in disease. Therefore, it has been classified as a Variant of Uncertain Significance.